The following is an entry in ClinVar:

ClinVar aggregate classification (germline): Conflicting classifications of pathogenicity. Review status: criteria provided, conflicting classifications (1 of 4 stars). 3 submissions from 3 submitters: Uncertain significance (1); Likely benign (2). Last evaluated 2026-06-03.

Conditions:
OTOG-related disorder. Also called: OTOG-related condition.

Allele frequency attached by ClinVar (database versions not stated): gnomAD 0.00003 and 0.00004; gnomAD exomes 0.00003 and 0.00021; TOPMed 0.00009; ExAC 0.00014.
gnomAD v4.1: 43 of 1,549,568 alleles (0.0028%); highest among the groups gnomAD compares: East Asian, 0.09%; no homozygotes.

Submissions (3):

PreventionGenetics, part of Exact Sciences
Classification: Likely benign for OTOG-related condition. Last evaluated: 2026-06-03. Review status: criteria provided, single submitter. Criteria: ACMG Guidelines, 2015. Collection method: clinical testing. Allele origin: germline.
Comment: This variant is classified as likely benign based on ACMG/AMP sequence variant interpretation guidelines (Richards et al. 2015 PMID: 25741868, with internal and published modifications).

Labcorp Genetics (formerly Invitae), Labcorp
Classification: Likely benign. Last evaluated: 2025-05-19. Review status: criteria provided, single submitter. Criteria: Invitae Variant Classification Sherloc (09022015). Collection method: clinical testing. Allele origin: germline.

GeneDx
Classification: Uncertain significance. Last evaluated: 2024-11-26. Review status: criteria provided, single submitter. Criteria: GeneDx Variant Classification Process June 2021. Collection method: clinical testing. Allele origin: germline. Affected: yes.
Comment: In silico analysis supports that this missense variant has a deleterious effect on protein structure/function; Has not been previously published as pathogenic or benign to our knowledge

NM_001292063.2(OTOG):c.8728T>C (p.Cys2910Arg)

Gene: OTOG (otogelin; plus strand). Cytogenetic location: 11p15.1.
Variant type: single nucleotide variant.
Coding change: c.8728T>C on transcript NM_001292063.2 (MANE Select); coding-DNA position 8728, T replaced by C.
Protein change: p.Cys2910Arg; replaces cysteine 2910 with arginine.
Molecular consequence: missense variant.
Genome position (GRCh38, 1-based): chr11:17,645,930, T>C. VCF-style: chr11-17645930-T-C. GRCh37 (hg19) VCF-style: chr11-17667477-T-C.
Other names: c.8764T>C, p.Cys2922Arg (NM_001277269.2); c.8764T>C (NM_001277269.1); short protein forms C2910R, C2922R.
Identifiers: ClinVar variation 1577400 (VCV001577400.10), dbSNP rs777325144, ClinGen allele CA5906333.